The following is an entry in ClinVar:

NM_001162501.2(TNRC6B):c.2937C>A (p.Pro979=)

Gene: TNRC6B (trinucleotide repeat containing adaptor 6B; plus strand). Cytogenetic location: 22q13.1.
Variant type: single nucleotide variant.
Coding change: c.2937C>A on transcript NM_001162501.2 (MANE Select); coding-DNA position 2937, C replaced by A.
Protein change: p.Pro979=; no amino-acid change (proline 979 retained).
Molecular consequence: synonymous variant. On other transcripts: intron variant (1).
Genome position (GRCh38, 1-based): chr22:40,270,252, C>A. VCF-style: chr22-40270252-C-A. GRCh37 (hg19) VCF-style: chr22-40666256-C-A.
Other names: c.696C>A, p.Pro232= (NM_001024843.2); c.2807-3173C>A (NM_015088.3).
Identifiers: ClinVar variation 2653180 (VCV002653180.24), dbSNP rs751093557, ClinGen allele CA514608136.

ClinVar aggregate classification (germline): Likely benign (1 of 4 stars; one submission).

Submission:

CeGaT Center for Human Genetics Tuebingen
Classification: Likely benign. Last evaluated: 2023-01-01. Review status: criteria provided, single submitter. Criteria: CeGaT Center For Human Genetics Tuebingen Variant Classification Criteria Version 2. Collection method: clinical testing. Allele origin: germline. Affected: yes. Observed: 1 variant allele.
Comment: TNRC6B: PM2:Supporting, BP4, BP7